The following is an entry in ClinVar:

NM_002834.5(PTPN11):c.1754T>C (p.Leu585Pro)

Gene: PTPN11 (protein tyrosine phosphatase non-receptor type 11; plus strand). Cytogenetic location: 12q24.13.
Variant type: single nucleotide variant.
Coding change: c.1754T>C on transcript NM_002834.5 (MANE Select); coding-DNA position 1754, T replaced by C.
Protein change: p.Leu585Pro; replaces leucine 585 with proline.
Molecular consequence: missense variant.
Genome position (GRCh38, 1-based): chr12:112,504,736, T>C. VCF-style: chr12-112504736-T-C. GRCh37 (hg19) VCF-style: chr12-112942540-T-C.
Other names: c.1766T>C, p.Leu589Pro (NM_001330437.2); c.1751T>C, p.Leu584Pro (NM_001374625.1); short protein forms L584P, L585P, L589P.
Identifiers: ClinVar variation 4862763 (VCV004862763.1).
Genomic context (GRCh38, chr12:112,504,736, plus strand): 5'-CTTTTTCTTTTCTCTCCAGAATGAGAGAAGACAGTGCTAGAGTCTATGAAAACGTGGGCC[T>C]GATGCAACAGCAGAAAAGTTTCAGATGAGAAAACCTGCCAAAACTTCAGCACAGAAATAG-3'
Protein context (NP_002825.3, residues 575-593): DSARVYENVG[Leu585Pro]MQQQKSFR

ClinVar aggregate classification (germline): Uncertain significance (1 of 4 stars; one submission).

Conditions:
Cardiovascular phenotype. Identifiers: MedGen CN230736.

Submission:

Ambry Genetics
Classification: Uncertain significance for Cardiovascular phenotype. Last evaluated: 2026-04-12. Review status: criteria provided, single submitter. Criteria: Ambry Variant Classification Scheme 2023. Collection method: clinical testing. Allele origin: germline.
Comment: The p.L585P variant (also known as c.1754T>C), located in coding exon 15 of the PTPN11 gene, results from a T to C substitution at nucleotide position 1754. The leucine at codon 585 is replaced by proline, an amino acid with similar properties. This amino acid position is conserved. In addition, the in silico prediction for this alteration is inconclusive. Based on the available evidence, the clinical significance of this variant remains unclear.